The following is an entry in ClinVar:

NM_138615.3(DHX30):c.2026C>T (p.Pro676Ser)

Gene: DHX30 (DExH-box helicase 30; plus strand). Cytogenetic location: 3p21.31.
Variant type: single nucleotide variant.
Coding change: c.2026C>T on transcript NM_138615.3 (MANE Select); coding-DNA position 2026, C replaced by T.
Protein change: p.Pro676Ser; replaces proline 676 with serine.
Molecular consequence: missense variant.
Genome position (GRCh38, 1-based): chr3:47,847,452, C>T. VCF-style: chr3-47847452-C-T. GRCh37 (hg19) VCF-style: chr3-47888942-C-T.
Other names: c.1942C>T, p.Pro648Ser (NM_001330990.2); c.1909C>T, p.Pro637Ser (NM_014966.4); short protein forms P637S, P648S, P676S.
Identifiers: ClinVar variation 3252775 (VCV003252775.1), dbSNP rs2549295370.

ClinVar aggregate classification (germline): Uncertain significance (1 of 4 stars; one submission).

Submission:

GeneDx
Classification: Uncertain significance. Last evaluated: 2023-10-06. Review status: criteria provided, single submitter. Criteria: GeneDx Variant Classification Process June 2021. Collection method: clinical testing. Allele origin: germline. Affected: yes.
Comment: Not observed at significant frequency in large population cohorts (gnomAD); In silico analysis supports that this missense variant has a deleterious effect on protein structure/function; Has not been previously published as pathogenic or benign to our knowledge